The following is an entry in ClinVar:

NM_021964.3(ZNF148):c.1593dup (p.Asp532Ter)

Genes: ZNF148 (zinc finger protein 148; minus strand), LOC126806798 (P300/CBP strongly-dependent group 1 enhancer GRCh37_chr3:124950809-124952008; plus strand). Cytogenetic location: 3q21.2.
Variant type: Duplication.
Coding change: c.1593dup on transcript NM_021964.3 (MANE Select); coding-DNA position 1593, one base duplicated (T; older notation c.1593dupT).
Protein change: p.Asp532Ter; replaces aspartic acid 532 with a stop codon.
Molecular consequence: nonsense.
Genome position (GRCh38, 1-based): chr3:125,233,133, A duplicated on the plus strand (T on the coding strand, the reverse complement: ZNF148 is on the minus strand). VCF-style (leftmost placement, unchanged base first): chr3-125233132-C-CA. GRCh37 (hg19) VCF-style: chr3-124951976-C-CA.
Other names: c.1593dup, p.Asp532Ter (NM_001348424.1, NM_001348425.2, NM_001348426.2 and 7 more transcripts); c.1467dup, p.Asp490Ter (NM_001348434.2); short protein forms D490*, D532*.
Identifiers: ClinVar variation 4076346 (VCV004076346.1).

ClinVar aggregate classification (germline): Likely pathogenic (1 of 4 stars; one submission).

Conditions:
Global developmental delay, absent or hypoplastic corpus callosum, and dysmorphic facies (GDACCF). Identifiers: MedGen C4310644, MONDO:0014994, OMIM 617260.

Submission:

Laboratorio de Genetica e Diagnostico Molecular, Hospital Israelita Albert Einstein
Classification: Likely pathogenic for Global developmental delay, absent or hypoplastic corpus callosum, and dysmorphic facies. Last evaluated: 2023-11-17. Review status: criteria provided, single submitter. Criteria: ACMG Guidelines, 2015. Collection method: clinical testing. Allele origin: germline. Affected: yes.
Comment: ACMG classification criteria: PVS1 strong, PM2 moderate